The following is an entry in ClinVar:

NM_006306.4(SMC1A):c.*3851A>T

Gene: SMC1A (structural maintenance of chromosomes 1A; minus strand). Cytogenetic location: Xp11.22.
Variant type: single nucleotide variant.
Coding change: c.*3851A>T on transcript NM_006306.4 (MANE Select); 3851 bases downstream of the stop codon, A replaced by T.
Molecular consequence: 3 prime UTR variant.
Genome position (GRCh38, 1-based): chrX:53,376,252, T>A on the plus strand (A>T on the coding strand, the complement: SMC1A is on the minus strand). VCF-style: chrX-53376252-T-A. GRCh37 (hg19) VCF-style: chrX-53403173-T-A.
Other names: c.*3851A>T (NM_001281463.1).
Identifiers: ClinVar variation 368557 (VCV000368557.5), dbSNP rs782817464, ClinGen allele CA10654362.

ClinVar aggregate classification (germline): Benign (1 of 4 stars; one submission).

Conditions:
Congenital muscular hypertrophy-cerebral syndrome (CDLS2). Also called: Cornelia de Lange syndrome 2; SMC1A-Related Cornelia de Lange Syndrome. Identifiers: Orphanet 199, MedGen C1802395, MONDO:0010370, OMIM 300590.

Allele frequency attached by ClinVar (database versions not stated): gnomAD 0.00023 and 0.00050; TOPMed 0.00036; 1000 Genomes Project 30x 0.00250; 1000 Genomes Project 0.00318.

Submission:

Illumina Laboratory Services, Illumina
Classification: Benign for Congenital muscular hypertrophy-cerebral syndrome. Last evaluated: 2018-01-12. Review status: criteria provided, single submitter. Criteria: ICSL Variant Classification Criteria 13 December 2019. Collection method: clinical testing. Allele origin: germline.
Comment: This variant was observed in the ICSL laboratory as part of a predisposition screen in an ostensibly healthy population. It had not been previously curated by ICSL or reported in the Human Gene Mutation Database (HGMD: prior to June 1st, 2018), and was therefore a candidate for classification through an automated scoring system. Utilizing variant allele frequency, disease prevalence and penetrance estimates, and inheritance mode, an automated score was calculated to assess if this variant is too frequent to cause the disease. Based on the score and internal cut-off values, a variant classified as benign is not then subjected to further curation. The score for this variant resulted in a classification of benign for this disease.